The following is an entry in ClinVar:

NM_001429.4(EP300):c.1979A>G (p.Asn660Ser)

Gene: EP300 (EP300 lysine acetyltransferase; plus strand). Cytogenetic location: 22q13.2.
Variant type: single nucleotide variant.
Coding change: c.1979A>G on transcript NM_001429.4 (MANE Select); coding-DNA position 1979, A replaced by G.
Protein change: p.Asn660Ser; replaces asparagine 660 with serine.
Molecular consequence: missense variant.
Genome position (GRCh38, 1-based): chr22:41,141,148, A>G. VCF-style: chr22-41141148-A-G. GRCh37 (hg19) VCF-style: chr22-41537152-A-G.
Other names: c.1979A>G, p.Asn660Ser (NM_001362843.2); short protein forms N660S.
Identifiers: ClinVar variation 4854503 (VCV004854503.1).

ClinVar aggregate classification (germline): Uncertain significance (1 of 4 stars; one submission).

Conditions:
Rubinstein-Taybi syndrome due to EP300 haploinsufficiency. Also called: RUBINSTEIN-TAYBI SYNDROME 2; EP300-Related Rubinstein-Taybi Syndrome. Identifiers: Orphanet 353284, Orphanet 783, MedGen C3150941, MONDO:0013364, OMIM 613684.

Submission:

3billion
Classification: Uncertain significance for Rubinstein-Taybi syndrome due to EP300 haploinsufficiency. Last evaluated: 2026-01-22. Review status: criteria provided, single submitter. Criteria: ACMG Guidelines, 2015. Collection method: clinical testing. Allele origin: germline. Affected: yes.
Comment: The variant is not observed in the gnomAD v4.1.0 dataset. Predicted Consequence/Location: Missense variant In silico tool predictions suggest no damaging effect of the variant on gene or gene product [REVEL: 0.16 (<0.4); 3Cnet: 0.00 (<0.1, specificity 0.84 and negative predicitive value 0.97)]. Therefore, this variant is classified as VUS according to the recommendation of ACMG/AMP guideline.